The following is an entry in ClinVar:

NM_012330.4(KAT6B):c.1731A>T (p.Leu577Phe)

Gene: KAT6B (lysine acetyltransferase 6B; plus strand). Cytogenetic location: 10q22.2.
Variant type: single nucleotide variant.
Coding change: c.1731A>T on transcript NM_012330.4 (MANE Select); coding-DNA position 1731, A replaced by T.
Protein change: p.Leu577Phe; replaces leucine 577 with phenylalanine.
Molecular consequence: missense variant. On other transcripts: intron variant (13).
Genome position (GRCh38, 1-based): chr10:74,976,068, A>T. VCF-style: chr10-74976068-A-T. GRCh37 (hg19) VCF-style: chr10-76735826-A-T.
Other names: c.1731A>T, p.Leu577Phe (NM_001370136.1, NM_001370137.1); c.1117+614A>T (NM_001370139.1, NM_001370140.1, NM_001370141.1 and 3 more transcripts); c.1444+287A>T (NM_001370138.1, NM_001256468.2); c.846+6293A>T (NM_001370133.1); c.193-3156A>T (NM_001370134.1); c.929-1248A>T (NM_001370143.1, NM_001370144.1); c.193-12951A>T (NM_001370135.1); short protein forms L577F.
Identifiers: ClinVar variation 4812117 (VCV004812117.1).

ClinVar aggregate classification (germline): Uncertain significance (1 of 4 stars; one submission).

Conditions:
Genitopatellar syndrome (GTPTS). Also called: ABSENT PATELLAE, SCROTAL HYPOPLASIA, RENAL ANOMALIES, FACIAL DYSMORPHISM, AND MENTAL RETARDATION; Genitopatellar syndrome (GPS). Identifiers: Orphanet 85201, MedGen C1853566, MONDO:0011640, OMIM 606170.

gnomAD v4.1: 4 of 1,614,202 alleles (0.00025%); highest among the groups gnomAD compares: Admixed American, 0.005%; no homozygotes.

Submission:

Labcorp Genetics (formerly Invitae), Labcorp
Classification: Uncertain significance for Genitopatellar syndrome. Last evaluated: 2025-08-29. Review status: criteria provided, single submitter. Criteria: Invitae Variant Classification Sherloc (09022015). Collection method: clinical testing. Allele origin: germline.
Comment: This sequence change replaces leucine, which is neutral and non-polar, with phenylalanine, which is neutral and non-polar, at codon 577 of the KAT6B protein (p.Leu577Phe). This variant is present in population databases (rs546876498, gnomAD 0.007%). This variant has not been reported in the literature in individuals affected with KAT6B-related conditions. An algorithm developed to predict the effect of missense changes on protein structure and function outputs the following: PolyPhen-2: "Benign". The phenylalanine amino acid residue is found in multiple mammalian species, which suggests that this missense change does not adversely affect protein function. In summary, the available evidence is currently insufficient to determine the role of this variant in disease. Therefore, it has been classified as a Variant of Uncertain Significance.